The following is an entry in ClinVar:

ClinVar aggregate classification (germline): Uncertain significance (1 of 4 stars; one submission).

gnomAD v4.1: 44 of 1,210,347 alleles (0.0036%); highest among the groups gnomAD compares: African/African-American, 0.075%; no homozygotes.

Submission:

Labcorp Genetics (formerly Invitae), Labcorp
Classification: Uncertain significance. Last evaluated: 2025-10-14. Review status: criteria provided, single submitter. Criteria: Invitae Variant Classification Sherloc (09022015). Collection method: clinical testing. Allele origin: germline.
Comment: This sequence change replaces glutamic acid, which is acidic and polar, with alanine, which is neutral and non-polar, at codon 489 of the TLR7 protein (p.Glu489Ala). This variant is present in population databases (rs150054181, gnomAD 0.05%), and has an allele count higher than expected for a pathogenic variant. This variant has not been reported in the literature in individuals affected with TLR7-related conditions. ClinVar contains an entry for this variant (Variation ID: 3667367). An algorithm developed to predict the effect of missense changes on protein structure and function outputs the following: PolyPhen-2: "Benign". The alanine amino acid residue is found in multiple mammalian species, which suggests that this missense change does not adversely affect protein function. In summary, the available evidence is currently insufficient to determine the role of this variant in disease. Therefore, it has been classified as a Variant of Uncertain Significance.

NM_016562.4(TLR7):c.1466A>C (p.Glu489Ala)

Gene: TLR7 (toll like receptor 7; plus strand). Cytogenetic location: Xp22.2.
Variant type: single nucleotide variant.
Coding change: c.1466A>C on transcript NM_016562.4 (MANE Select); coding-DNA position 1466, A replaced by C.
Protein change: p.Glu489Ala; replaces glutamic acid 489 with alanine.
Molecular consequence: missense variant.
Genome position (GRCh38, 1-based): chrX:12,886,974, A>C. VCF-style: chrX-12886974-A-C. GRCh37 (hg19) VCF-style: chrX-12905093-A-C.
Other names: short protein forms E489A.
Identifiers: ClinVar variation 3667367 (VCV003667367.2).